The following is an entry in ClinVar:

ClinVar aggregate classification (germline): Uncertain significance (1 of 4 stars; one submission).

Conditions:
Inborn genetic diseases. Identifiers: MedGen C0950123, MeSH D030342.

gnomAD v4.1: 1 of 1,592,614 alleles (0.000063%); highest among the groups gnomAD compares: Non-Finnish European, 0.000086%; no homozygotes.

Submission:

Ambry Genetics
Classification: Uncertain significance for Inborn genetic diseases. Last evaluated: 2025-04-12. Review status: criteria provided, single submitter. Criteria: Ambry Variant Classification Scheme 2023. Collection method: clinical testing. Allele origin: germline.
Comment: The p.C368R variant (also known as c.1102T>C), located in coding exon 5 of the PIK3CA gene, results from a T to C substitution at nucleotide position 1102. The cysteine at codon 368 is replaced by arginine, an amino acid with highly dissimilar properties. This amino acid position is conserved. In addition, this alteration is predicted to be deleterious by in silico analysis. Based on the available evidence, the clinical significance of this variant remains unclear.

NM_006218.4(PIK3CA):c.1102T>C (p.Cys368Arg)

Gene: PIK3CA (phosphatidylinositol-4,5-bisphosphate 3-kinase catalytic subunit alpha; plus strand). Cytogenetic location: 3q26.32.
Variant type: single nucleotide variant.
Coding change: c.1102T>C on transcript NM_006218.4 (MANE Select); coding-DNA position 1102, T replaced by C.
Protein change: p.Cys368Arg; replaces cysteine 368 with arginine.
Molecular consequence: missense variant.
Genome position (GRCh38, 1-based): chr3:179,204,545, T>C. VCF-style: chr3-179204545-T-C. GRCh37 (hg19) VCF-style: chr3-178922333-T-C.
Other names: short protein forms C368R.
Identifiers: ClinVar variation 3932379 (VCV003932379.1).